The following is an entry in ClinVar:

NM_000179.3(MSH6):c.1689T>C (p.Thr563=)

Gene: MSH6 (mutS homolog 6; plus strand). Cytogenetic location: 2p16.3.
Variant type: single nucleotide variant.
Coding change: c.1689T>C on transcript NM_000179.3 (MANE Select); coding-DNA position 1689, T replaced by C.
Protein change: p.Thr563=; no amino-acid change (threonine 563 retained).
Molecular consequence: synonymous variant. On other transcripts: non-coding transcript variant (4), intron variant (2).
Genome position (GRCh38, 1-based): chr2:47,799,672, T>C. VCF-style: chr2-47799672-T-C. GRCh37 (hg19) VCF-style: chr2-48026811-T-C.
Other names: c.1299T>C, p.Thr433= (NM_001281492.2); c.783T>C, p.Thr261= (NM_001281493.2, NM_001281494.2, NM_001406811.1 and 6 more transcripts); c.1785T>C, p.Thr595= (NM_001406795.1, NM_001406802.1); c.1689T>C, p.Thr563= (NM_001406796.1, NM_001406798.1, NM_001406800.1 and 3 more transcripts); c.1392T>C, p.Thr464= (NM_001406797.1, NM_001406801.1, NM_001406805.1 and 10 more transcripts); c.1164T>C, p.Thr388= (NM_001406799.1, NM_001406806.1, NM_001406807.1); c.1611T>C, p.Thr537= (NM_001406804.1); c.1695T>C, p.Thr565= (NM_001406813.1); and 3 more.
Identifiers: ClinVar variation 3903476 (VCV003903476.2).

ClinVar aggregate classification (germline): Benign/Likely benign. Review status: criteria provided, multiple submitters, no conflicts (2 of 4 stars). 2 submissions from 2 submitters: Benign (1); Likely benign (1). Last evaluated 2025-04-23.

Conditions:
Hereditary nonpolyposis colorectal neoplasms. Identifiers: MedGen C0009405, MeSH D003123.
Lynch syndrome 5 (LYNCH5). Also called: Colorectal cancer, hereditary nonpolyposis, type 5; Hereditary non-polyposis colorectal cancer, type 5. Identifiers: Orphanet 144, MedGen C1833477, MONDO:0013710, OMIM 614350. Disease mechanism: loss of function.

gnomAD v4.1: 1 of 1,614,208 alleles (0.000062%); highest among the groups gnomAD compares: Non-Finnish European, 0.000085%; no homozygotes.

Submissions (2):

Labcorp Genetics (formerly Invitae), Labcorp
Classification: Likely benign for Hereditary nonpolyposis colorectal neoplasms. Last evaluated: 2025-04-23. Review status: criteria provided, single submitter. Criteria: Invitae Variant Classification Sherloc (09022015). Collection method: clinical testing. Allele origin: germline.

Myriad Genetics, Inc.
Classification: Benign for Lynch syndrome 5. Last evaluated: 2024-12-27. Review status: criteria provided, single submitter. Criteria: Myriad Autosomal Dominant, Autosomal Recessive and X-Linked Classification Criteria (2023). Collection method: clinical testing. Allele origin: unknown.
Comment: This variant is considered benign. This variant is a silent/synonymous amino acid change and it is not expected to impact splicing.